The following is an entry in ClinVar:

NM_014270.5(SLC7A9):c.1042C>T (p.Arg348Cys)

Gene: SLC7A9 (solute carrier family 7 member 9; minus strand). Cytogenetic location: 19q13.11.
Variant type: single nucleotide variant.
Coding change: c.1042C>T on transcript NM_014270.5 (MANE Select); coding-DNA position 1042, C replaced by T.
Protein change: p.Arg348Cys; replaces arginine 348 with cysteine.
Molecular consequence: missense variant.
Genome position (GRCh38, 1-based): chr19:32,843,887, G>A on the plus strand (C>T on the coding strand, the complement: SLC7A9 is on the minus strand). VCF-style: chr19-32843887-G-A. GRCh37 (hg19) VCF-style: chr19-33334793-G-A.
Other names: c.1042C>T, p.Arg348Cys (NM_001126335.2, NM_001243036.2); c.1042C>T (NM_014270.4); short protein forms R348C.
Identifiers: ClinVar variation 3583587 (VCV003583587.4).

ClinVar aggregate classification (germline): Uncertain significance. Review status: criteria provided, multiple submitters, no conflicts (2 of 4 stars). 3 submissions from 3 submitters: Uncertain significance (3). Last evaluated 2025-05-27.

Conditions:
Cystinuria (CSNU). Also called: CYSTINURIA, TYPE I; CYSTINURIA, TYPE II; CYSTINURIA, TYPE III; Cystinuria, non-type I. Identifiers: Orphanet 214, MedGen C0010691, MONDO:0009067, OMIM 220100, HP:0003131.

gnomAD v4.1: 33 of 1,613,710 alleles (0.002%); highest among the groups gnomAD compares: Admixed American, 0.0083%; no homozygotes.

Submissions (3):

GeneDx
Classification: Uncertain significance. Last evaluated: 2025-05-27. Review status: criteria provided, single submitter. Criteria: GeneDx Variant Classification Process June 2021. Collection method: clinical testing. Allele origin: germline. Affected: yes.
Comment: In silico analysis supports that this missense variant has a deleterious effect on protein structure/function; Has not been previously published as pathogenic or benign to our knowledge; In silico analysis is inconclusive as to whether the variant alters gene splicing. In the absence of RNA/functional studies, the actual effect of this sequence change is unknown.

Labcorp Genetics (formerly Invitae), Labcorp
Classification: Uncertain significance. Last evaluated: 2024-08-21. Review status: criteria provided, single submitter. Criteria: Invitae Variant Classification Sherloc (09022015). Collection method: clinical testing. Allele origin: germline.
Comment: This sequence change replaces arginine, which is basic and polar, with cysteine, which is neutral and slightly polar, at codon 348 of the SLC7A9 protein (p.Arg348Cys). This variant is present in population databases (rs747524088, gnomAD 0.01%). This variant has not been reported in the literature in individuals affected with SLC7A9-related conditions. Invitae Evidence Modeling of protein sequence and biophysical properties (such as structural, functional, and spatial information, amino acid conservation, physicochemical variation, residue mobility, and thermodynamic stability) indicates that this missense variant is not expected to disrupt SLC7A9 protein function with a negative predictive value of 80%. Algorithms developed to predict the effect of sequence changes on RNA splicing suggest that this variant may disrupt the consensus splice site. In summary, the available evidence is currently insufficient to determine the role of this variant in disease. Therefore, it has been classified as a Variant of Uncertain Significance.

Fulgent Genetics
Classification: Uncertain significance for Cystinuria. Last evaluated: 2024-05-23. Review status: criteria provided, single submitter. Criteria: ACMG Guidelines, 2015. Collection method: clinical testing. Allele origin: germline.